The following is an entry in ClinVar:

ClinVar aggregate classification (germline): Likely benign (1 of 4 stars; one submission).

gnomAD v4.1: 561 of 1,613,850 alleles (0.035%); highest among the groups gnomAD compares: Middle Eastern, 0.86%; 7 homozygotes.

Submission:

CeGaT Center for Human Genetics Tuebingen
Classification: Likely benign. Last evaluated: 2026-02-01. Review status: criteria provided, single submitter. Criteria: CeGaT Center For Human Genetics Tuebingen Variant Classification Criteria Version 2. Collection method: clinical testing. Allele origin: germline. Affected: yes. Observed: 3 variant alleles.
Comment: TRAPPC10: BP4, BP7

NM_003274.5(TRAPPC10):c.1206A>G (p.Leu402=)

Gene: TRAPPC10 (trafficking protein particle complex subunit 10; plus strand). Cytogenetic location: 21q22.3.
Variant type: single nucleotide variant.
Coding change: c.1206A>G on transcript NM_003274.5 (MANE Select); coding-DNA position 1206, A replaced by G.
Protein change: p.Leu402=; no amino-acid change (leucine 402 retained).
Molecular consequence: synonymous variant. On other transcripts: 5 prime UTR variant (1).
Genome position (GRCh38, 1-based): chr21:44,075,059, A>G. VCF-style: chr21-44075059-A-G. GRCh37 (hg19) VCF-style: chr21-45494940-A-G.
Other names: c.-299A>G (NM_001351709.1).
Identifiers: ClinVar variation 3770506 (VCV003770506.13).